The following is an entry in ClinVar:

ClinVar aggregate classification (germline): Conflicting classifications of pathogenicity. Review status: criteria provided, conflicting classifications (1 of 4 stars). 2 submissions from 2 submitters: Likely pathogenic (1); Uncertain significance (1). Last evaluated 2022-03-13.

Conditions:
Spastic paraplegia. Identifiers: MedGen C0037772, HP:0001258.
Hereditary spastic paraplegia 4. Also called: Spastic paraplegia 4, autosomal dominant; Spastic Paraplegia 4; Familial spastic paraplegia autosomal dominant 2. Identifiers: Orphanet 100985, MedGen C1866855, MONDO:0008438, OMIM 182601.

Submissions (2):

Labcorp Genetics (formerly Invitae), Labcorp
Classification: Likely pathogenic for Hereditary spastic paraplegia 4. Last evaluated: 2022-03-13. Review status: criteria provided, single submitter. Criteria: Invitae Variant Classification Sherloc (09022015). Collection method: clinical testing. Allele origin: germline.
Comment: This variant has not been reported in the literature in individuals affected with SPAST-related conditions. This variant is not present in population databases (gnomAD no frequency). This sequence change replaces serine, which is neutral and polar, with asparagine, which is neutral and polar, at codon 595 of the SPAST protein (p.Ser595Asn). ClinVar contains an entry for this variant (Variation ID: 989171). In summary, the currently available evidence indicates that the variant is pathogenic, but additional data are needed to prove that conclusively. Therefore, this variant has been classified as Likely Pathogenic. This variant disrupts the p.Ser595 amino acid residue in SPAST. Other variant(s) that disrupt this residue have been determined to be pathogenic (PMID: 24824479; Invitae). This suggests that this residue is clinically significant, and that variants that disrupt this residue are likely to be disease-causing. Advanced modeling of protein sequence and biophysical properties (such as structural, functional, and spatial information, amino acid conservation, physicochemical variation, residue mobility, and thermodynamic stability) performed at Invitae indicates that this missense variant is expected to disrupt SPAST protein function.

Paris Brain Institute, Inserm - ICM
Classification: Uncertain significance for Spastic paraplegia. Review status: criteria provided, single submitter. Criteria: ACMG Guidelines, 2015. Collection method: clinical testing. Allele origin: unknown. Affected: yes. Observed: 1 variant allele.

Literature cited by the submitters: PubMed 24824479 (cited by Labcorp Genetics (formerly Invitae), Labcorp).

NM_014946.4(SPAST):c.1784G>A (p.Ser595Asn)

Gene: SPAST (spastin; plus strand). Cytogenetic location: 2p22.3.
Variant type: single nucleotide variant.
Coding change: c.1784G>A on transcript NM_014946.4 (MANE Select); coding-DNA position 1784, G replaced by A.
Protein change: p.Ser595Asn; replaces serine 595 with asparagine.
Molecular consequence: missense variant. On other transcripts: 3 prime UTR variant (1).
Genome position (GRCh38, 1-based): chr2:32,154,429, G>A. VCF-style: chr2-32154429-G-A. GRCh37 (hg19) VCF-style: chr2-32379498-G-A.
Other names: c.1688G>A, p.Ser563Asn (NM_199436.2); c.1781G>A, p.Ser594Asn (NM_001363823.2); c.1685G>A, p.Ser562Asn (NM_001363875.2); c.*57G>A (NM_001377959.1); short protein forms S562N, S563N, S594N, S595N.
Identifiers: ClinVar variation 989171 (VCV000989171.6), dbSNP rs2148769328, ClinGen allele CA346505637.